The following is an entry in ClinVar:

NM_001081550.2(THOC2):c.4198A>G (p.Ile1400Val)

Gene: THOC2 (THO complex subunit 2; minus strand). Cytogenetic location: Xq25.
Variant type: single nucleotide variant.
Coding change: c.4198A>G on transcript NM_001081550.2 (MANE Select); coding-DNA position 4198, A replaced by G.
Protein change: p.Ile1400Val; replaces isoleucine 1400 with valine.
Molecular consequence: missense variant.
Genome position (GRCh38, 1-based): chrX:123,621,175, T>C on the plus strand (A>G on the coding strand, the complement: THOC2 is on the minus strand). VCF-style: chrX-123621175-T-C. GRCh37 (hg19) VCF-style: chrX-122755026-T-C.
Other names: short protein forms I1400V.
Identifiers: ClinVar variation 3376070 (VCV003376070.1).

ClinVar aggregate classification (germline): Uncertain significance (1 of 4 stars; one submission).

Submission:

GeneDx
Classification: Uncertain significance. Last evaluated: 2024-05-06. Review status: criteria provided, single submitter. Criteria: GeneDx Variant Classification Process June 2021. Collection method: clinical testing. Allele origin: germline. Affected: yes.
Comment: Not observed at significant frequency in large population cohorts (gnomAD); In silico analysis indicates that this missense variant does not alter protein structure/function; Has not been previously published as pathogenic or benign to our knowledge